The following is an entry in ClinVar:

ClinVar aggregate classification (germline): Pathogenic (1 of 4 stars; one submission).

Conditions:
Emery-Dreifuss muscular dystrophy 4, autosomal dominant (EDMD4). Also called: EMERY-DREIFUSS MUSCULAR DYSTROPHY 4 WITH VARIABLE FEATURES. Identifiers: Orphanet 261, MedGen C2751807, MONDO:0013071, OMIM 612998.
Autosomal recessive ataxia, Beauce type. Also called: Spinocerebellar ataxia, autosomal recessive 8; ATAXIA, RECESSIVE, OF BEAUCE; SYNE1 Deficiency; SYNE1-Related Autosomal Recessive Cerebellar Ataxia. Identifiers: Orphanet 88644, MedGen C1853116, MONDO:0012549, OMIM 610743.

Submission:

Labcorp Genetics (formerly Invitae), Labcorp
Classification: Pathogenic for Emery-Dreifuss muscular dystrophy 4, autosomal dominant; Autosomal recessive ataxia, Beauce type. Last evaluated: 2025-03-31. Review status: criteria provided, single submitter. Criteria: Invitae Variant Classification Sherloc (09022015). Collection method: clinical testing. Allele origin: germline.
Comment: This sequence change creates a premature translational stop signal (p.Glu5543*) in the SYNE1 gene. It is expected to result in an absent or disrupted protein product. Loss-of-function variants in SYNE1 are known to be pathogenic (PMID: 19542096, 24319099, 27086870). This variant is not present in population databases (gnomAD no frequency). This variant has not been reported in the literature in individuals affected with SYNE1-related conditions. ClinVar contains an entry for this variant (Variation ID: 1451456). For these reasons, this variant has been classified as Pathogenic.

Literature cited by the submitters: PubMed 19542096; PubMed 24319099; PubMed 27086870.

NM_182961.4(SYNE1):c.16840G>T (p.Glu5614Ter)

Genes: SYNE1 (spectrin repeat containing nuclear envelope protein 1; minus strand), LOC126859837 (BRD4-independent group 4 enhancer GRCh37_chr6:152630775-152631974; plus strand). Cytogenetic location: 6q25.2.
Variant type: single nucleotide variant.
Coding change: c.16840G>T on transcript NM_182961.4 (MANE Select); coding-DNA position 16840, G replaced by T.
Protein change: p.Glu5614Ter; replaces glutamic acid 5614 with a stop codon.
Molecular consequence: nonsense.
Genome position (GRCh38, 1-based): chr6:152,310,744, C>A on the plus strand (G>T on the coding strand, the complement: SYNE1 is on the minus strand). VCF-style: chr6-152310744-C-A. GRCh37 (hg19) VCF-style: chr6-152631879-C-A.
Other names: c.16627G>T, p.Glu5543Ter (NM_033071.5); short protein forms E5614*, E5543*.
Identifiers: ClinVar variation 1451456 (VCV001451456.6), dbSNP rs777656140, ClinGen allele CA366107886.